The following is an entry in ClinVar:

NM_004612.4(TGFBR1):c.466C>T (p.His156Tyr)

Gene: TGFBR1 (transforming growth factor beta receptor 1; plus strand). Cytogenetic location: 9q22.33.
Variant type: single nucleotide variant.
Coding change: c.466C>T on transcript NM_004612.4 (MANE Select); coding-DNA position 466, C replaced by T.
Protein change: p.His156Tyr; replaces histidine 156 with tyrosine.
Molecular consequence: missense variant. On other transcripts: intron variant (1).
Genome position (GRCh38, 1-based): chr9:99,132,631, C>T. VCF-style: chr9-99132631-C-T. GRCh37 (hg19) VCF-style: chr9-101894913-C-T.
Other names: c.478C>T, p.His160Tyr (NM_001306210.2); c.343+3531C>T (NM_001130916.3); short protein forms H156Y, H160Y.
Identifiers: ClinVar variation 646750 (VCV000646750.10), dbSNP rs1184553647, ClinGen allele CA374228139.

ClinVar aggregate classification (germline): Conflicting classifications of pathogenicity. Review status: criteria provided, conflicting classifications (1 of 4 stars). 3 submissions from 3 submitters: Uncertain significance (2); Likely benign (1). Last evaluated 2025-12-30.

Conditions:
Familial thoracic aortic aneurysm and aortic dissection (TAAD). Also called: Thoracic aortic aneurysms and dissections. Identifiers: Orphanet 91387, MedGen C4707243, MONDO:0019625.

Allele frequency attached by ClinVar (database versions not stated): gnomAD exomes below 0.00001; gnomAD 0.00001; TOPMed 0.00001.

Submissions (3):

Labcorp Genetics (formerly Invitae), Labcorp
Classification: Likely benign for Familial thoracic aortic aneurysm and aortic dissection. Last evaluated: 2025-12-30. Review status: criteria provided, single submitter. Criteria: Invitae Variant Classification Sherloc (09022015). Collection method: clinical testing. Allele origin: germline.

Color Diagnostics, LLC DBA Color Health
Classification: Uncertain significance for Familial thoracic aortic aneurysm and aortic dissection. Last evaluated: 2025-06-23. Review status: criteria provided, single submitter. Criteria: ACMG Guidelines, 2015. Collection method: clinical testing. Allele origin: germline.
Comment: This missense variant replaces histidine with tyrosine at codon 156 of the TGFBR1 protein. Computational prediction suggests that this variant may not impact protein structure and function. To our knowledge, functional studies have not been reported for this variant. This variant has not been reported in individuals affected with TGFBR1-related disorders in the literature. This variant has been identified in 1/251078 chromosomes in the general population by the Genome Aggregation Database (gnomAD). The available evidence is insufficient to determine the role of this variant in disease conclusively. Therefore, this variant is classified as a Variant of Uncertain Significance.

Ambry Genetics
Classification: Uncertain significance for Familial thoracic aortic aneurysm and aortic dissection. Last evaluated: 2025-01-23. Review status: criteria provided, single submitter. Criteria: Ambry Variant Classification Scheme 2023. Collection method: clinical testing. Allele origin: germline.